The following is an entry in ClinVar:

NM_000089.4(COL1A2):c.2083G>A (p.Glu695Lys)

Gene: COL1A2 (collagen type I alpha 2 chain; plus strand). Cytogenetic location: 7q21.3.
Variant type: single nucleotide variant.
Coding change: c.2083G>A on transcript NM_000089.4 (MANE Select); coding-DNA position 2083, G replaced by A.
Protein change: p.Glu695Lys; replaces glutamic acid 695 with lysine.
Molecular consequence: missense variant.
Genome position (GRCh38, 1-based): chr7:94,420,236, G>A. VCF-style: chr7-94420236-G-A. GRCh37 (hg19) VCF-style: chr7-94049548-G-A.
Other names: short protein forms E695K.
Identifiers: ClinVar variation 2182531 (VCV002182531.8), dbSNP rs2484725189, ClinGen allele CA368223212.

ClinVar aggregate classification (germline): Uncertain significance. Review status: criteria provided, multiple submitters, no conflicts (2 of 4 stars). 3 submissions from 3 submitters: Uncertain significance (3). Last evaluated 2025-03-13.

Conditions:
Ehlers-Danlos syndrome, classic type, 1 (EDSCL1). Also called: Ehlers-Danlos syndrome, type 1; Ehlers-Danlos Syndrome, Classic Type, COL5A1-Related; EDS I; EHLERS-DANLOS SYNDROME, GRAVIS TYPE; EHLERS-DANLOS SYNDROME, SEVERE CLASSIC TYPE. Identifiers: MedGen C0268335, MONDO:0019567, OMIM 130000.
Osteogenesis imperfecta type I (OI1). Also called: Lobstein disease; Classic Non-deforming Osteogenesis Imperfecta with Blue Sclerae; Osteogenesis imperfecta type 1; Lobstein's Disease; OI, TYPE I; OSTEOGENESIS IMPERFECTA TARDA. Identifiers: Orphanet 216796, Orphanet 666, MedGen C0023931, MONDO:0008146, OMIM 166200. Disease mechanism: loss of function.

Allele frequency attached by ClinVar (database versions not stated): gnomAD exomes below 0.00001.
gnomAD v4.1: 6 of 1,613,448 alleles (0.00037%); highest among the groups gnomAD compares: Non-Finnish European, 0.00042%; no homozygotes.

Submissions (3):

Labcorp Genetics (formerly Invitae), Labcorp
Classification: Uncertain significance for Osteogenesis imperfecta type I; Ehlers-Danlos syndrome, classic type, 1. Last evaluated: 2025-03-13. Review status: criteria provided, single submitter. Criteria: Invitae Variant Classification Sherloc (09022015). Collection method: clinical testing. Allele origin: germline.
Comment: This sequence change replaces glutamic acid, which is acidic and polar, with lysine, which is basic and polar, at codon 695 of the COL1A2 protein (p.Glu695Lys). This variant is not present in population databases (gnomAD no frequency). This variant has not been reported in the literature in individuals affected with COL1A2-related conditions. ClinVar contains an entry for this variant (Variation ID: 2182531). Invitae Evidence Modeling of protein sequence and biophysical properties (such as structural, functional, and spatial information, amino acid conservation, physicochemical variation, residue mobility, and thermodynamic stability) has been performed for this missense variant. However, the output from this modeling did not meet the statistical confidence thresholds required to predict the impact of this variant on COL1A2 protein function. In summary, the available evidence is currently insufficient to determine the role of this variant in disease. Therefore, it has been classified as a Variant of Uncertain Significance.

Blueprint Genetics
Classification: Uncertain significance. Last evaluated: 2024-07-25. Review status: criteria provided, single submitter. Criteria: ACMG Guidelines, 2015. Collection method: clinical testing. Allele origin: germline.

Revvity Omics, Revvity
Classification: Uncertain significance. Last evaluated: 2023-01-08. Review status: criteria provided, single submitter. Criteria: ACMG Guidelines, 2015. Collection method: clinical testing. Allele origin: germline.